The following is an entry in ClinVar:

NM_000180.4(GUCY2D):c.1210C>G (p.Leu404Val)

Gene: GUCY2D (guanylate cyclase 2D, retinal; plus strand). Cytogenetic location: 17p13.1.
Variant type: single nucleotide variant.
Coding change: c.1210C>G on transcript NM_000180.4 (MANE Select); coding-DNA position 1210, C replaced by G.
Protein change: p.Leu404Val; replaces leucine 404 with valine.
Molecular consequence: missense variant.
Genome position (GRCh38, 1-based): chr17:8,006,546, C>G. VCF-style: chr17-8006546-C-G. GRCh37 (hg19) VCF-style: chr17-7909864-C-G.
Other names: short protein forms L404V.
Identifiers: ClinVar variation 1994077 (VCV001994077.4), dbSNP rs2545420349, ClinGen allele CA397947964.

ClinVar aggregate classification (germline): Uncertain significance (1 of 4 stars; one submission).

Conditions:
Cone-rod dystrophy 6 (CORD6). Also called: Cone dystrophy progressive; RETINAL CONE DYSTROPHY 2. Identifiers: Orphanet 1872, MedGen C1866293, MONDO:0011143, OMIM 601777.
Leber congenital amaurosis 1 (LCA1). Also called: RETINAL BLINDNESS, CONGENITAL; AMAUROSIS CONGENITA OF LEBER I; Congenital absence of the rods and cones; Leber's congenital tapetoretinal degeneration; Leber's congenital tapetoretinal dysplasia. Identifiers: Orphanet 65, MedGen C2931258, MONDO:0008764, OMIM 204000.

Submission:

Labcorp Genetics (formerly Invitae), Labcorp
Classification: Uncertain significance for Leber congenital amaurosis 1; Cone-rod dystrophy 6. Last evaluated: 2022-10-13. Review status: criteria provided, single submitter. Criteria: Invitae Variant Classification Sherloc (09022015). Collection method: clinical testing. Allele origin: germline.
Comment: This sequence change replaces leucine, which is neutral and non-polar, with valine, which is neutral and non-polar, at codon 404 of the GUCY2D protein (p.Leu404Val). In summary, the available evidence is currently insufficient to determine the role of this variant in disease. Therefore, it has been classified as a Variant of Uncertain Significance. This variant disrupts the p.Leu404 amino acid residue in GUCY2D. Other variant(s) that disrupt this residue have been determined to be pathogenic (PMID: 27422788, 34048777). This suggests that this residue is clinically significant, and that variants that disrupt this residue are likely to be disease-causing. Advanced modeling of protein sequence and biophysical properties (such as structural, functional, and spatial information, amino acid conservation, physicochemical variation, residue mobility, and thermodynamic stability) performed at Invitae indicates that this missense variant is not expected to disrupt GUCY2D protein function. This variant has not been reported in the literature in individuals affected with GUCY2D-related conditions. This variant is not present in population databases (gnomAD no frequency).

Literature cited by the submitters: PubMed 27422788; PubMed 34048777.